The following is an entry in ClinVar:

NM_001290060.2(SEMA3B):c.300G>A (p.Glu100=)

Gene: SEMA3B (semaphorin 3B; plus strand). Cytogenetic location: 3p21.31.
Variant type: single nucleotide variant.
Coding change: c.300G>A on transcript NM_001290060.2 (MANE Select); coding-DNA position 300, G replaced by A.
Protein change: p.Glu100=; no amino-acid change (glutamic acid 100 retained).
Molecular consequence: synonymous variant.
Genome position (GRCh38, 1-based): chr3:50,270,465, G>A. VCF-style: chr3-50270465-G-A. GRCh37 (hg19) VCF-style: chr3-50307896-G-A.
Other names: c.300G>A, p.Glu100= (NM_001005914.3, NM_001290061.1, NM_001435956.1 and 3 more transcripts).
Identifiers: ClinVar variation 4978371 (VCV004978371.1).

ClinVar aggregate classification (germline): Likely benign (1 of 4 stars; one submission).

Conditions:
SEMA3B-related disorder. Also called: SEMA3B-related condition.

gnomAD v4.1: 19 of 1,613,722 alleles (0.0012%); highest among the groups gnomAD compares: Admixed American, 0.0083%; no homozygotes.

Submission:

PreventionGenetics, part of Exact Sciences
Classification: Likely benign for SEMA3B-related condition. Last evaluated: 2025-06-23. Review status: criteria provided, single submitter. Criteria: ACMG Guidelines, 2015. Collection method: clinical testing. Allele origin: germline.
Comment: This variant is classified as likely benign based on ACMG/AMP sequence variant interpretation guidelines (Richards et al. 2015 PMID: 25741868, with internal and published modifications).